The following is an entry in ClinVar:

NC_000002.11:g.(?_44047116)_(44053814_?)del

Gene: ABCG5 (ATP binding cassette subfamily G member 5; minus strand). Cytogenetic location: 2p21.
Variant type: Deletion.
Identifiers: ClinVar variation 3247169 (VCV003247169.1).

ClinVar aggregate classification (germline): Likely pathogenic (1 of 4 stars; one submission).

Conditions:
Sitosterolemia (STSL). Also called: PHYTOSTEROLEMIA. Identifiers: Orphanet 2882, MedGen C0342907, MONDO:0008863.

Submission:

Labcorp Genetics (formerly Invitae), Labcorp
Classification: Likely pathogenic for Sitosterolemia. Last evaluated: 2019-06-07. Review status: criteria provided, single submitter. Criteria: Invitae Variant Classification Sherloc (09022015). Collection method: clinical testing. Allele origin: unknown.
Comment: This variant is a deletion of the genomic region encompassing exons 6-10 and part of exon 11 and the insertion of 30 unrelated nucleotides (c.635-154_1587delins30) of the ABCG5 gene. It is expected to disrupt RNA splicing and likely results in an absent or disrupted protein product. This variant has not been reported in the literature in individuals with ABCG5-related conditions. Loss-of-function variants in ABCG5 are known to be pathogenic (PMID: 11138003, 25665839). In summary, the currently available evidence indicates that the variant is pathogenic, but additional data are needed to prove that conclusively. Therefore, this variant has been classified as Likely Pathogenic.

Literature cited by the submitters: PubMed 11138003; PubMed 25665839.